The following is an entry in ClinVar:

NM_002691.4(POLD1):c.422T>C (p.Ile141Thr)

Gene: POLD1 (DNA polymerase delta 1, catalytic subunit; plus strand). Cytogenetic location: 19q13.33.
Variant type: single nucleotide variant.
Coding change: c.422T>C on transcript NM_002691.4 (MANE Select); coding-DNA position 422, T replaced by C.
Protein change: p.Ile141Thr; replaces isoleucine 141 with threonine.
Molecular consequence: missense variant. On other transcripts: non-coding transcript variant (1).
Genome position (GRCh38, 1-based): chr19:50,401,883, T>C. VCF-style: chr19-50401883-T-C. GRCh37 (hg19) VCF-style: chr19-50905140-T-C.
Other names: c.422T>C, p.Ile141Thr (NM_001256849.1, NM_001308632.1, NM_001438210.1 and 3 more transcripts); short protein forms I141T.
Identifiers: ClinVar variation 4808876 (VCV004808876.1).

ClinVar aggregate classification (germline): Uncertain significance (1 of 4 stars; one submission).

Conditions:
POLD1-related polyposis and colorectal cancer syndrome (CRCS10). Also called: COLORECTAL CANCER, SUSCEPTIBILITY TO, ON CHROMOSOME 19q; Colorectal cancer 10; Colorectal cancer, susceptibility to, 10. Identifiers: Orphanet 220460, MedGen C2675481, MONDO:0012953, OMIM 612591.

Submission:

Labcorp Genetics (formerly Invitae), Labcorp
Classification: Uncertain significance for POLD1-related polyposis and colorectal cancer syndrome. Last evaluated: 2025-08-06. Review status: criteria provided, single submitter. Criteria: Invitae Variant Classification Sherloc (09022015). Collection method: clinical testing. Allele origin: germline.
Comment: This sequence change replaces isoleucine, which is neutral and non-polar, with threonine, which is neutral and polar, at codon 141 of the POLD1 protein (p.Ile141Thr). This variant is not present in population databases (gnomAD no frequency). This variant has not been reported in the literature in individuals affected with POLD1-related conditions. Invitae Evidence Modeling of protein sequence and biophysical properties (such as structural, functional, and spatial information, amino acid conservation, physicochemical variation, residue mobility, and thermodynamic stability) indicates that this missense variant is not expected to disrupt POLD1 protein function with a negative predictive value of 80%. In summary, the available evidence is currently insufficient to determine the role of this variant in disease. Therefore, it has been classified as a Variant of Uncertain Significance.